The following is an entry in ClinVar:

ClinVar aggregate classification (germline): Pathogenic/Likely pathogenic. Review status: criteria provided, multiple submitters, no conflicts (2 of 4 stars). 2 submissions from 2 submitters: Pathogenic (1); Likely pathogenic (1). Last evaluated 2022-02-08.

Conditions:
Epidermolysis bullosa simplex 3, localized or generalized intermediate, with BP230 deficiency (EBS3). Also called: Epidermolysis bullosa simplex, autosomal recessive 2; Epidermolysis bullosa simplex due to BP230 deficiency. Identifiers: Orphanet 412181, MedGen C3809470, MONDO:0014180, OMIM 615425.
Hereditary sensory and autonomic neuropathy type 6. Also called: HSAN VI; Neuropathy, hereditary sensory and autonomic, type VI. Identifiers: Orphanet 314381, MedGen C3539003, MONDO:0013839, OMIM 614653.
DST-related disorder. Also called: DST-related disorders; DST-related condition.

Allele frequency attached by ClinVar (database versions not stated): TOPMed 0.00001.
gnomAD v4.1: 6 of 1,614,102 alleles (0.00037%); highest among the groups gnomAD compares: South Asian, 0.0044%; no homozygotes.

Submissions (2):

Blueprint Genetics
Classification: Likely pathogenic for DST-related disorders. Last evaluated: 2022-02-08. Review status: criteria provided, single submitter. Criteria: ACMG Guidelines, 2015. Collection method: clinical testing. Allele origin: germline. Affected: yes. Observed: 2 variant alleles.

Labcorp Genetics (formerly Invitae), Labcorp
Classification: Pathogenic for Epidermolysis bullosa simplex 3, localized or generalized intermediate, with BP230 deficiency; Hereditary sensory and autonomic neuropathy type 6. Last evaluated: 2017-10-27. Review status: criteria provided, single submitter. Criteria: Invitae Variant Classification Sherloc (09022015). Collection method: clinical testing. Allele origin: germline.
Comment: For these reasons, this variant has been classified as Pathogenic. Loss-of-function variants in DST are known to be pathogenic (PMID: 25059916). This variant has not been reported in the literature in individuals with DST-related disease. This variant is not present in population databases (ExAC no frequency). This sequence change creates a premature translational stop signal (p.Gln1366*) in the DST gene. It is expected to result in an absent or disrupted protein product.

Literature cited by the submitters: PubMed 25059916 (cited by Labcorp Genetics (formerly Invitae), Labcorp).

NM_001723.7(DST):c.4096C>T (p.Gln1366Ter)

Gene: DST (dystonin; minus strand). Cytogenetic location: 6p12.1.
Variant type: single nucleotide variant.
Coding change: c.4096C>T on transcript NM_001723.7 (MANE Plus Clinical); coding-DNA position 4096, C replaced by T.
Protein change: p.Gln1366Ter; replaces glutamine 1366 with a stop codon.
Molecular consequence: nonsense. On other transcripts: intron variant (10).
Genome position (GRCh38, 1-based): chr6:56,619,938, G>A on the plus strand (C>T on the coding strand, the complement: DST is on the minus strand). VCF-style: chr6-56619938-G-A. GRCh37 (hg19) VCF-style: chr6-56484736-G-A.
Other names: c.4830+4592C>T (NM_001144769.5); c.4929+4592C>T (NM_001374722.1, NM_001374736.1); c.4956+4592C>T (NM_001374734.1); c.4416+4592C>T (NM_001144770.2); c.4296+4592C>T (NM_001374730.1, NM_001386100.1, NM_183380.4 and 1 more transcripts); c.3318+4592C>T (NM_015548.5); short protein forms Q1366*.
Identifiers: ClinVar variation 568439 (VCV000568439.8), dbSNP rs770035646, ClinGen allele CA364570432.